The following is an entry in ClinVar:

ClinVar aggregate classification (germline): Likely benign (1 of 4 stars; one submission).

Allele frequency attached by ClinVar (database versions not stated): TOPMed 0.00006; gnomAD 0.00009; ESP Exome Variant Server 0.00015; 1000 Genomes Project 30x 0.00047; 1000 Genomes Project 0.00060.
gnomAD v4.1: 268 of 1,613,854 alleles (0.017%); highest among the groups gnomAD compares: East Asian, 0.23%; 3 homozygotes.

Submission:

CeGaT Center for Human Genetics Tuebingen
Classification: Likely benign. Last evaluated: 2022-12-01. Review status: criteria provided, single submitter. Criteria: CeGaT Center For Human Genetics Tuebingen Variant Classification Criteria Version 2. Collection method: clinical testing. Allele origin: germline. Affected: yes. Observed: 1 variant allele.
Comment: OR5M8: BP4, BP7

NM_001005282.1(OR5M8):c.435G>A (p.Thr145=)

Gene: OR5M8 (olfactory receptor family 5 subfamily M member 8; minus strand). Cytogenetic location: 11q12.1.
Variant type: single nucleotide variant.
Coding change: c.435G>A on transcript NM_001005282.1 (MANE Select); coding-DNA position 435, G replaced by A.
Protein change: p.Thr145=; no amino-acid change (threonine 145 retained).
Molecular consequence: synonymous variant.
Genome position (GRCh38, 1-based): chr11:56,490,936, C>T on the plus strand (G>A on the coding strand, the complement: OR5M8 is on the minus strand). VCF-style: chr11-56490936-C-T. GRCh37 (hg19) VCF-style: chr11-56258412-C-T.
Identifiers: ClinVar variation 2641788 (VCV002641788.24), dbSNP rs147351186, ClinGen allele CA5999991.
Genomic context (GRCh38, chr11:56,490,936, plus strand): 5'-TAGGTTGTAGGTCCACATGGTCTCCATCAGGCCAGTGAGCGCTCCATACACATAAGGCAC[C>T]GTGATGAGGAAGGAGCACACACTCTTGGACATTCTGCTGCCATAAAGCAGAGGGTTGCAG-3'
Protein context (NP_001005282.1, residues 135-155): MSKSVCSFLI[Thr145=]VPYVYGALTG